The following is an entry in ClinVar:

ClinVar aggregate classification (germline): Likely benign. Review status: criteria provided, multiple submitters, no conflicts (2 of 4 stars). 3 submissions from 3 submitters: Likely benign (3). Last evaluated 2025-10-22.

Allele frequency attached by ClinVar (database versions not stated): gnomAD 0.00013; 1000 Genomes Project 30x 0.00016; ExAC 0.00019; gnomAD exomes 0.00019; 1000 Genomes Project 0.00020; TOPMed 0.00021.
gnomAD v4.1: 138 of 1,613,686 alleles (0.0086%); highest among the groups gnomAD compares: East Asian, 0.21%; no homozygotes.

Submissions (3):

Labcorp Genetics (formerly Invitae), Labcorp
Classification: Likely benign. Last evaluated: 2025-10-22. Review status: criteria provided, single submitter. Criteria: Invitae Variant Classification Sherloc (09022015). Collection method: clinical testing. Allele origin: germline.

Women's Health and Genetics/Laboratory Corporation of America, LabCorp
Classification: Likely benign. Last evaluated: 2024-08-22. Review status: criteria provided, single submitter. Criteria: LabCorp Variant Classification Summary - May 2015. Collection method: clinical testing. Allele origin: germline.

GeneDx
Classification: Likely benign. Last evaluated: 2017-03-07. Review status: criteria provided, single submitter. Criteria: GeneDx Variant Classification (06012015). Collection method: clinical testing. Allele origin: germline. Affected: yes.
Comment: This variant is considered likely benign or benign based on one or more of the following criteria: it is a conservative change, it occurs at a poorly conserved position in the protein, it is predicted to be benign by multiple in silico algorithms, and/or has population frequency not consistent with disease.

NM_020247.5(COQ8A):c.891C>T (p.Phe297=)

Gene: COQ8A (coenzyme Q8A; plus strand). Cytogenetic location: 1q42.13.
Variant type: single nucleotide variant.
Coding change: c.891C>T on transcript NM_020247.5 (MANE Select); coding-DNA position 891, C replaced by T.
Protein change: p.Phe297=; no amino-acid change (phenylalanine 297 retained).
Molecular consequence: synonymous variant.
Genome position (GRCh38, 1-based): chr1:226,982,715, C>T. VCF-style: chr1-226982715-C-T. GRCh37 (hg19) VCF-style: chr1-227170416-C-T.
Identifiers: ClinVar variation 507731 (VCV000507731.7), dbSNP rs55968053, ClinGen allele CA1425207.
Genomic context (GRCh38, chr1:226,982,715, plus strand): 5'-TGTGTCATTCTCCTGCCTTCCAGATGATGCCTTTATCAACCCCCACCTGGCTAAGATCTT[C>T]GAGCGGGTGCGGCAGAGCGCGGACTTCATGCCACTGAAGCAGATGATGGTGAGGAGCCAG-3'
Protein context (NP_064632.2, residues 287-307): AFINPHLAKI[Phe297=]ERVRQSADFM